The following is an entry in ClinVar:

NM_001184.4(ATR):c.1511C>T (p.Thr504Ile)

Gene: ATR (ATR checkpoint kinase; minus strand). Cytogenetic location: 3q23.
Variant type: single nucleotide variant.
Coding change: c.1511C>T on transcript NM_001184.4 (MANE Select); coding-DNA position 1511, C replaced by T.
Protein change: p.Thr504Ile; replaces threonine 504 with isoleucine.
Molecular consequence: missense variant. On other transcripts: intron variant (1).
Genome position (GRCh38, 1-based): chr3:142,560,293, G>A on the plus strand (C>T on the coding strand, the complement: ATR is on the minus strand). VCF-style: chr3-142560293-G-A. GRCh37 (hg19) VCF-style: chr3-142279135-G-A.
Other names: c.1350-852C>T (NM_001354579.2); short protein forms T504I.
Identifiers: ClinVar variation 1774217 (VCV001774217.2), dbSNP rs1360033518, ClinGen allele CA354822625.
Genomic context (GRCh38, chr3:142,560,293, plus strand): 5'-CAACCCCAAGAAACAAGAAGTTTGTTTTACCAGTTCATGTTTTGATGAGAACAATGAACA[G>A]TACACAGAGCAGTCAGTTGTAAGACAACAGCAATTCCTTCTAACATCTCAATAACAGGAT-3'
Protein context (NP_001175.2, residues 494-514): AVVLQLTALC[Thr504Ile]VHCSHQNMNC

ClinVar aggregate classification (germline): Uncertain significance (1 of 4 stars; one submission).

Conditions:
Inborn genetic diseases. Identifiers: MedGen C0950123, MeSH D030342.

Allele frequency attached by ClinVar (database versions not stated): TOPMed below 0.00001; gnomAD 0.00001; gnomAD exomes 0.00002.
gnomAD v4.1: 25 of 1,613,834 alleles (0.0015%); highest among the groups gnomAD compares: Non-Finnish European, 0.002%; no homozygotes.

Submission:

Ambry Genetics
Classification: Uncertain significance for Inborn genetic diseases. Last evaluated: 2021-07-04. Review status: criteria provided, single submitter. Criteria: Ambry Variant Classification Scheme 2023. Collection method: clinical testing. Allele origin: germline.
Comment: The p.T504I variant (also known as c.1511C>T), located in coding exon 6 of the ATR gene, results from a C to T substitution at nucleotide position 1511. The threonine at codon 504 is replaced by isoleucine, an amino acid with similar properties. This amino acid position is conserved. In addition, this alteration is predicted to be tolerated by in silico analysis. Since supporting evidence is limited at this time, the clinical significance of this alteration remains unclear.